The following is an entry in ClinVar:

ClinVar aggregate classification (germline): Benign. Review status: criteria provided, multiple submitters, no conflicts (2 of 4 stars). 3 submissions from 3 submitters: Benign (3). Last evaluated 2025-06-25.

Conditions:
NARS2-related disorder. Also called: NARS2-related condition.

Allele frequency attached by ClinVar (database versions not stated): gnomAD below 0.00001 and 0.00031; TOPMed 0.00005; gnomAD exomes 0.00059 and 0.00132; ExAC 0.00143; 1000 Genomes Project 0.00200; 1000 Genomes Project 30x 0.00281.
gnomAD v4.1: 900 of 1,613,356 alleles (0.056%); highest among the groups gnomAD compares: South Asian, 0.94%; 13 homozygotes.

Submissions (3):

Labcorp Genetics (formerly Invitae), Labcorp
Classification: Benign. Last evaluated: 2025-06-25. Review status: criteria provided, single submitter. Criteria: Invitae Variant Classification Sherloc (09022015). Collection method: clinical testing. Allele origin: germline.

PreventionGenetics, part of Exact Sciences
Classification: Benign for NARS2-related condition. Last evaluated: 2024-12-12. Review status: criteria provided, single submitter. Criteria: ACMG Guidelines, 2015. Collection method: clinical testing. Allele origin: germline.
Comment: This variant is classified as benign based on ACMG/AMP sequence variant interpretation guidelines (Richards et al. 2015 PMID: 25741868, with internal and published modifications).

Blueprint Genetics
Classification: Benign. Last evaluated: 2024-11-07. Review status: criteria provided, single submitter. Criteria: ACMG Guidelines, 2015. Collection method: clinical testing. Allele origin: germline.

NM_024678.6(NARS2):c.311A>G (p.Lys104Arg)

Gene: NARS2 (asparaginyl-tRNA synthetase 2, mitochondrial; minus strand). Cytogenetic location: 11q14.1.
Variant type: single nucleotide variant.
Coding change: c.311A>G on transcript NM_024678.6 (MANE Select); coding-DNA position 311, A replaced by G.
Protein change: p.Lys104Arg; replaces lysine 104 with arginine.
Molecular consequence: missense variant. On other transcripts: 5 prime UTR variant (1).
Genome position (GRCh38, 1-based): chr11:78,568,693, T>C on the plus strand (A>G on the coding strand, the complement: NARS2 is on the minus strand). VCF-style: chr11-78568693-T-C. GRCh37 (hg19) VCF-style: chr11-78279739-T-C.
Other names: c.-371A>G (NM_001243251.2); short protein forms K104R.
Identifiers: ClinVar variation 736405 (VCV000736405.11), dbSNP rs538946129, ClinGen allele CA6205885.